The following is an entry in ClinVar:

NM_001267550.2(TTN):c.3533A>C (p.Glu1178Ala)

Gene: TTN (titin; minus strand). Cytogenetic location: 2q31.2.
Variant type: single nucleotide variant.
Coding change: c.3533A>C on transcript NM_001267550.2 (MANE Select); coding-DNA position 3533, A replaced by C.
Protein change: p.Glu1178Ala; replaces glutamic acid 1178 with alanine.
Molecular consequence: missense variant.
Genome position (GRCh38, 1-based): chr2:178,780,196, T>G on the plus strand (A>C on the coding strand, the complement: TTN is on the minus strand). VCF-style: chr2-178780196-T-G. GRCh37 (hg19) VCF-style: chr2-179644923-T-G.
Other names: p.E1178A:GAG>GCG; c.3395A>C, p.Glu1132Ala (NM_003319.4, NM_133432.3, NM_133437.4); c.3533A>C, p.Glu1178Ala (NM_133378.4, NM_133379.5, NM_001256850.1); short protein forms E1178A, E1132A.
Identifiers: ClinVar variation 203103 (VCV000203103.2), dbSNP rs112277159, ClinGen allele CA311247.

ClinVar aggregate classification (germline): Uncertain significance (1 of 4 stars; one submission).

Submission:

GeneDx
Classification: Uncertain significance. Last evaluated: 2013-06-07. Review status: criteria provided, single submitter. Criteria: GeneDx Variant Classification (06012015). Collection method: clinical testing. Allele origin: germline. Affected: yes.
Comment: Missense variants in the TTN gene are considered 'unclassified' if they are not previously reported in the literature and do not have >1% frequency in the population to be considered a polymorphism. Research indicates that truncating mutations in the TTN gene are expected to account for approximately 25% of familial and 18% of sporadic idiopathic DCM; however, truncating variants in the TTN gene have been reported in approximately 3% of reported control alleles. There has been little investigation into non-truncating variants. (Herman D et al. Truncations of titin causing dilated cardiomyopathy. N Eng J Med 366:619-628, 2012) The variant is found in DCM panel(s).